The following is an entry in ClinVar:

NM_015662.3(IFT172):c.3511C>G (p.Pro1171Ala)

Genes: IFT172 (intraflagellar transport 172; minus strand), LOC126806173 (BRD4-independent group 4 enhancer GRCh37_chr2:27676057-27677256; plus strand). Cytogenetic location: 2p23.3.
Variant type: single nucleotide variant.
Coding change: c.3511C>G on transcript NM_015662.3 (MANE Select); coding-DNA position 3511, C replaced by G.
Protein change: p.Pro1171Ala; replaces proline 1171 with alanine.
Molecular consequence: missense variant.
Genome position (GRCh38, 1-based): chr2:27,454,373, G>C on the plus strand (C>G on the coding strand, the complement: IFT172 is on the minus strand). VCF-style: chr2-27454373-G-C. GRCh37 (hg19) VCF-style: chr2-27677240-G-C.
Other names: c.3511C>G (NM_015662.2); short protein forms P1171A.
Identifiers: ClinVar variation 1436640 (VCV001436640.8), dbSNP rs747503760, ClinGen allele CA1579961.

ClinVar aggregate classification (germline): Uncertain significance. Review status: criteria provided, multiple submitters, no conflicts (2 of 4 stars). 2 submissions from 2 submitters: Uncertain significance (2). Last evaluated 2026-01-26.

Conditions:
Short-rib thoracic dysplasia 10 with or without polydactyly (SRTD10). Identifiers: Orphanet 474, MedGen C3810175, MONDO:0014284, OMIM 615630.
Retinitis pigmentosa 71 (RP71). Identifiers: Orphanet 791, MedGen C4225342, MONDO:0014618, OMIM 616394.
IFT172-related disorder. Also called: IFT172-related disorders; IFT172-related condition.

gnomAD v4.1: 10 of 1,614,176 alleles (0.00062%); highest among the groups gnomAD compares: Admixed American, 0.017%; 1 homozygote.

Submissions (2):

PreventionGenetics, part of Exact Sciences
Classification: Uncertain significance for IFT172-related condition. Last evaluated: 2026-01-26. Review status: criteria provided, single submitter. Criteria: ACMG Guidelines, 2015. Collection method: clinical testing. Allele origin: germline.
Comment: The IFT172 c.3511C>G variant is predicted to result in the amino acid substitution p.Pro1171Ala. To our knowledge, this variant has not been reported in the literature. This variant is reported in 0.029% of alleles in individuals of Latino descent in gnomAD, including a homozygous individual. At this time, the clinical significance of this variant is uncertain due to the absence of conclusive functional and genetic evidence.

Labcorp Genetics (formerly Invitae), Labcorp
Classification: Uncertain significance for Retinitis pigmentosa 71; Short-rib thoracic dysplasia 10 with or without polydactyly. Last evaluated: 2024-01-19. Review status: criteria provided, single submitter. Criteria: Invitae Variant Classification Sherloc (09022015). Collection method: clinical testing. Allele origin: germline.
Comment: This sequence change replaces proline, which is neutral and non-polar, with alanine, which is neutral and non-polar, at codon 1171 of the IFT172 protein (p.Pro1171Ala). This variant is present in population databases (rs747503760, gnomAD 0.03%). This variant has not been reported in the literature in individuals affected with IFT172-related conditions. ClinVar contains an entry for this variant (Variation ID: 1436640). Advanced modeling of protein sequence and biophysical properties (such as structural, functional, and spatial information, amino acid conservation, physicochemical variation, residue mobility, and thermodynamic stability) performed at Invitae indicates that this missense variant is not expected to disrupt IFT172 protein function with a negative predictive value of 80%. In summary, the available evidence is currently insufficient to determine the role of this variant in disease. Therefore, it has been classified as a Variant of Uncertain Significance.